The following is an entry in ClinVar:

NM_004522.3(KIF5C):c.2732A>C (p.Lys911Thr)

Gene: KIF5C (kinesin family member 5C; plus strand). Cytogenetic location: 2q23.2.
Variant type: single nucleotide variant.
Coding change: c.2732A>C on transcript NM_004522.3 (MANE Select); coding-DNA position 2732, A replaced by C.
Protein change: p.Lys911Thr; replaces lysine 911 with threonine.
Molecular consequence: missense variant. On other transcripts: non-coding transcript variant (1).
Genome position (GRCh38, 1-based): chr2:149,010,316, A>C. VCF-style: chr2-149010316-A-C. GRCh37 (hg19) VCF-style: chr2-149866830-A-C.
Other names: short protein forms K911T.
Identifiers: ClinVar variation 4690129 (VCV004690129.2).
Genomic context (GRCh38, chr2:149,010,316, plus strand): 5'-TGCGGGACCGTAAGCGCTACCAGCAGGAGGTGGATCGTATCAAGGAGGCCGTGCGGGCCA[A>C]GAACATGGCCAGAAGGGCCCATTCAGCCCAGATCGGTACGTGCGTGCACAGTGGCGCCCG-3'
Protein context (NP_004513.1, residues 901-921): VDRIKEAVRA[Lys911Thr]NMARRAHSAQ

ClinVar aggregate classification (germline): Uncertain significance (1 of 4 stars; one submission).

Submission:

GeneDx
Classification: Uncertain significance. Last evaluated: 2026-04-27. Review status: criteria provided, single submitter. Criteria: GeneDx Variant Classification Process June 2021. Collection method: clinical testing. Allele origin: germline.
Comment: Not observed at significant frequency in large population cohorts (gnomAD); In silico analysis supports that this missense variant has a deleterious effect on protein structure/function; Has not been previously published as pathogenic or benign to our knowledge